The following is an entry in ClinVar:

NM_001367624.2(ZNF469):c.7301C>T (p.Pro2434Leu)

Gene: ZNF469 (zinc finger protein 469; plus strand). Cytogenetic location: 16q24.2.
Variant type: single nucleotide variant.
Coding change: c.7301C>T on transcript NM_001367624.2 (MANE Select); coding-DNA position 7301, C replaced by T.
Protein change: p.Pro2434Leu; replaces proline 2434 with leucine.
Molecular consequence: missense variant.
Genome position (GRCh38, 1-based): chr16:88,434,771, C>T. VCF-style: chr16-88434771-C-T. GRCh37 (hg19) VCF-style: chr16-88501179-C-T.
Other names: NM_001127464.1:c.7217C>T; short protein forms P2434L.
Identifiers: ClinVar variation 1757744 (VCV001757744.2), dbSNP rs2507596116, ClinGen allele CA397109268.
Genomic context (GRCh38, chr16:88,434,771, plus strand): 5'-CAGCCAGTGACTTCCAGTCTGACTCCCCCCAAAGCCACAGAAATGCCTCCCACCAGACTC[C>T]CCAGGGGGACCCCCTCGGCCCCCAAGACCTCAAACAGAGGTCCCGTGGCTATAAAAAGAA-3'
Protein context (NP_001354553.1, residues 2424-2444): QSHRNASHQT[Pro2434Leu]QGDPLGPQDL

ClinVar aggregate classification (germline): Uncertain significance (1 of 4 stars; one submission).

Conditions:
Cardiovascular phenotype. Identifiers: MedGen CN230736.

Submission:

Ambry Genetics
Classification: Uncertain significance for Cardiovascular phenotype. Last evaluated: 2021-11-19. Review status: criteria provided, single submitter. Criteria: Ambry Variant Classification Scheme 2023. Collection method: clinical testing. Allele origin: germline.
Comment: The p.P2406L variant (also known as c.7217C>T), located in coding exon 2 of the ZNF469 gene, results from a C to T substitution at nucleotide position 7217. The proline at codon 2406 is replaced by leucine, an amino acid with similar properties. This amino acid position is conserved. In addition, this alteration is predicted to be tolerated by in silico analysis. Since supporting evidence is limited at this time, the clinical significance of this alteration remains unclear.